The following is an entry in ClinVar:

ClinVar aggregate classification (germline): Likely benign (1 of 4 stars; one submission).

Allele frequency attached by ClinVar (database versions not stated): TOPMed 0.00002; ExAC 0.00003; gnomAD 0.00004; ESP Exome Variant Server 0.00008.
gnomAD v4.1: 73 of 1,613,868 alleles (0.0045%); highest among the groups gnomAD compares: Non-Finnish European, 0.0059%; no homozygotes.

Submission:

CeGaT Center for Human Genetics Tuebingen
Classification: Likely benign. Last evaluated: 2024-02-01. Review status: criteria provided, single submitter. Criteria: CeGaT Center For Human Genetics Tuebingen Variant Classification Criteria Version 2. Collection method: clinical testing. Allele origin: germline. Affected: yes. Observed: 1 variant allele.
Comment: CMYA5: BP4

NM_153610.5(CMYA5):c.1446A>C (p.Gly482=)

Gene: CMYA5 (cardiomyopathy associated 5; plus strand). Cytogenetic location: 5q14.1.
Variant type: single nucleotide variant.
Coding change: c.1446A>C on transcript NM_153610.5 (MANE Select); coding-DNA position 1446, A replaced by C.
Protein change: p.Gly482=; no amino-acid change (glycine 482 retained).
Molecular consequence: synonymous variant.
Genome position (GRCh38, 1-based): chr5:79,730,211, A>C. VCF-style: chr5-79730211-A-C. GRCh37 (hg19) VCF-style: chr5-79026034-A-C.
Identifiers: ClinVar variation 3025235 (VCV003025235.22), dbSNP rs375110880, ClinGen allele CA3321396.